The following is an entry in ClinVar:

NM_004456.5(EZH2):c.1039C>T (p.Arg347Trp)

Gene: EZH2 (enhancer of zeste 2 polycomb repressive complex 2 subunit; minus strand). Cytogenetic location: 7q36.1.
Variant type: single nucleotide variant.
Coding change: c.1039C>T on transcript NM_004456.5 (MANE Select); coding-DNA position 1039, C replaced by T.
Protein change: p.Arg347Trp; replaces arginine 347 with tryptophan.
Molecular consequence: missense variant.
Genome position (GRCh38, 1-based): chr7:148,818,078, G>A on the plus strand (C>T on the coding strand, the complement: EZH2 is on the minus strand). VCF-style: chr7-148818078-G-A. GRCh37 (hg19) VCF-style: chr7-148515170-G-A.
Other names: c.1024C>T, p.Arg342Trp (NM_001203247.2); c.997C>T, p.Arg333Trp (NM_001203248.2, NM_001203249.2); c.907C>T, p.Arg303Trp (NM_152998.3); c.1024C>T (NM_001203247.1); short protein forms R333W, R303W, R342W, R347W.
Identifiers: ClinVar variation 4721478 (VCV004721478.2).
Genomic context (GRCh38, chr7:148,818,078, plus strand): 5'-TGTTATTGGGAAGCCGTCCTCTTCTGCGGCCTCCTGGACGTTTTGGTGGGGTCTTTATCC[G>A]CTCAGCGGTGAGAGCAGCAGCAAACTCCTTTGCTCCCTCCTACGAAATGAAAAATGTCAA-3'
Protein context (NP_004447.2, residues 337-357): KEFAAALTAE[Arg347Trp]IKTPPKRPGG

ClinVar aggregate classification (germline): Uncertain significance. Review status: criteria provided, multiple submitters, no conflicts (2 of 4 stars). 2 submissions from 2 submitters: Uncertain significance (2). Last evaluated 2026-07-01.

Conditions:
Weaver syndrome (WVS). Also called: Weaver Smith syndrome; Overgrowth syndrome with accelerated skeletal maturation, unusual facies, and camptodactyly. Identifiers: Orphanet 3447, MedGen C0265210, MONDO:0010193, OMIM 277590.
Inborn genetic diseases. Identifiers: MedGen C0950123, MeSH D030342.

gnomAD v4.1: 8 of 1,610,880 alleles (0.0005%); highest among the groups gnomAD compares: Admixed American, 0.0017%; no homozygotes.

Submissions (2):

Ambry Genetics
Classification: Uncertain significance for Inborn genetic diseases. Last evaluated: 2026-07-01. Review status: criteria provided, single submitter. Criteria: Ambry Variant Classification Scheme 2023. Collection method: clinical testing. Allele origin: germline.
Comment: The p.R342W variant (also known as c.1024C>T), located in coding exon 9 of the EZH2 gene, results from a C to T substitution at nucleotide position 1024. The arginine at codon 342 is replaced by tryptophan, an amino acid with dissimilar properties. This amino acid position is conserved. In addition, this alteration is predicted to be deleterious by in silico analysis. Based on the available evidence, the clinical significance of this variant remains unclear.

Labcorp Genetics (formerly Invitae), Labcorp
Classification: Uncertain significance for Weaver syndrome. Last evaluated: 2025-05-07. Review status: criteria provided, single submitter. Criteria: Invitae Variant Classification Sherloc (09022015). Collection method: clinical testing. Allele origin: germline.
Comment: This sequence change replaces arginine, which is basic and polar, with tryptophan, which is neutral and slightly polar, at codon 347 of the EZH2 protein (p.Arg347Trp). This variant is present in population databases (no rsID available, gnomAD 0.003%). This variant has not been reported in the literature in individuals affected with EZH2-related conditions. Invitae Evidence Modeling of protein sequence and biophysical properties (such as structural, functional, and spatial information, amino acid conservation, physicochemical variation, residue mobility, and thermodynamic stability) indicates that this missense variant is expected to disrupt EZH2 protein function with a positive predictive value of 80%. In summary, the available evidence is currently insufficient to determine the role of this variant in disease. Therefore, it has been classified as a Variant of Uncertain Significance.